The following is an entry in ClinVar:

ClinVar aggregate classification (germline): Conflicting classifications of pathogenicity. Review status: criteria provided, conflicting classifications (1 of 4 stars). 2 submissions from 2 submitters: Uncertain significance (1); Likely benign (1). Last evaluated 2026-01-13.

Conditions:
Hereditary cancer-predisposing syndrome. Also called: Neoplastic Syndromes, Hereditary; Tumor predisposition; Hereditary Cancer Syndrome; Hereditary neoplastic syndrome. Identifiers: Orphanet 140162, MedGen C0027672, MeSH D009386, MONDO:0015356.
Ataxia-telangiectasia syndrome (AT). Also called: AT, COMPLEMENTATION GROUP C; ATAXIA-TELANGIECTASIA, COMPLEMENTATION GROUP A; ATAXIA-TELANGIECTASIA, FRESNO VARIANT; Ataxia-telangiectasia; Ataxia-telangiectasia, complementation group D; Ataxia-telangiectasia, complementation group E. Identifiers: Orphanet 100, MedGen C0004135, MONDO:0008840, OMIM 208900.

Submissions (2):

Ambry Genetics
Classification: Likely benign for Hereditary cancer-predisposing syndrome. Last evaluated: 2026-01-13. Review status: criteria provided, single submitter. Criteria: Ambry Variant Classification Scheme 2023. Collection method: clinical testing. Allele origin: germline.

Labcorp Genetics (formerly Invitae), Labcorp
Classification: Uncertain significance for Ataxia-telangiectasia syndrome. Last evaluated: 2025-04-14. Review status: criteria provided, single submitter. Criteria: Invitae Variant Classification Sherloc (09022015). Collection method: clinical testing. Allele origin: germline.
Comment: This sequence change replaces aspartic acid, which is acidic and polar, with asparagine, which is neutral and polar, at codon 1511 of the ATM protein (p.Asp1511Asn). This variant is not present in population databases (gnomAD no frequency). This variant has not been reported in the literature in individuals affected with ATM-related conditions. ClinVar contains an entry for this variant (Variation ID: 1496202). Invitae Evidence Modeling of protein sequence and biophysical properties (such as structural, functional, and spatial information, amino acid conservation, physicochemical variation, residue mobility, and thermodynamic stability) has been performed for this missense variant. However, the output from this modeling did not meet the statistical confidence thresholds required to predict the impact of this variant on ATM protein function. In summary, the available evidence is currently insufficient to determine the role of this variant in disease. Therefore, it has been classified as a Variant of Uncertain Significance.

NM_000051.4(ATM):c.4531G>A (p.Asp1511Asn)

Gene: ATM (ATM serine/threonine kinase; plus strand). Cytogenetic location: 11q22.3.
Variant type: single nucleotide variant.
Coding change: c.4531G>A on transcript NM_000051.4 (MANE Select); coding-DNA position 4531, G replaced by A.
Protein change: p.Asp1511Asn; replaces aspartic acid 1511 with asparagine.
Molecular consequence: missense variant.
Genome position (GRCh38, 1-based): chr11:108,292,713, G>A. VCF-style: chr11-108292713-G-A. GRCh37 (hg19) VCF-style: chr11-108163440-G-A.
Other names: c.4531G>A, p.Asp1511Asn (NM_001351834.2); c.4531G>A (NM_000051.3); short protein forms D1511N.
Identifiers: ClinVar variation 1496202 (VCV001496202.9), dbSNP rs2135800277, ClinGen allele CA382533704.